The following is an entry in ClinVar:

ClinVar aggregate classification (germline): Likely pathogenic (1 of 4 stars; one submission).

Conditions:
Developmental and epileptic encephalopathy, 19 (DEE19). Also called: Epileptic encephalopathy, early infantile, 19. Identifiers: Orphanet 33069, MedGen C3810400, MONDO:0014328, OMIM 615744.

Submission:

Department of Neurology, Zibo Changguo Hospital
Classification: Likely pathogenic for Developmental and epileptic encephalopathy, 19. Last evaluated: 2025-01-08. Review status: criteria provided, single submitter. Criteria: ACMG Guidelines, 2015. Collection method: clinical testing. Allele origin: de novo. Inheritance: Autosomal dominant inheritance. Affected: yes.
Comment: PS2, PM2_Supporting, PP2, PP3

NM_001127644.2(GABRA1):c.953C>T (p.Ala318Val)

Gene: GABRA1 (gamma-aminobutyric acid type A receptor subunit alpha1; plus strand). Cytogenetic location: 5q34.
Variant type: single nucleotide variant.
Coding change: c.953C>T on transcript NM_001127644.2 (MANE Select); coding-DNA position 953, C replaced by T.
Protein change: p.Ala318Val; replaces alanine 318 with valine.
Molecular consequence: missense variant.
Genome position (GRCh38, 1-based): chr5:161,895,762, C>T. VCF-style: chr5-161895762-C-T. GRCh37 (hg19) VCF-style: chr5-161322768-C-T.
Other names: c.953C>T, p.Ala318Val (NM_000806.5, NM_001127643.2, NM_001127645.2 and 1 more transcripts); short protein forms A318V.
Identifiers: ClinVar variation 3770195 (VCV003770195.1).